The following is an entry in ClinVar:

ClinVar aggregate classification (germline): Uncertain significance (1 of 4 stars; one submission).

gnomAD v4.1: 18 of 1,613,966 alleles (0.0011%); highest among the groups gnomAD compares: Non-Finnish European, 0.0015%; no homozygotes.

Submission:

Labcorp Genetics (formerly Invitae), Labcorp
Classification: Uncertain significance. Last evaluated: 2024-08-30. Review status: criteria provided, single submitter. Criteria: Invitae Variant Classification Sherloc (09022015). Collection method: clinical testing. Allele origin: germline.
Comment: This sequence change replaces valine, which is neutral and non-polar, with glycine, which is neutral and non-polar, at codon 1336 of the DLC1 protein (p.Val1336Gly). This variant is present in population databases (rs762305343, gnomAD 0.002%). This variant has not been reported in the literature in individuals affected with DLC1-related conditions. An algorithm developed to predict the effect of missense changes on protein structure and function (PolyPhen-2) suggests that this variant is likely to be disruptive. In summary, the available evidence is currently insufficient to determine the role of this variant in disease. Therefore, it has been classified as a Variant of Uncertain Significance.

NM_182643.3(DLC1):c.4007T>G (p.Val1336Gly)

Genes: DLC1 (DLC1 Rho GTPase activating protein; minus strand), LOC126860305 (MED14-independent group 3 enhancer GRCh37_chr8:12947375-12948574; plus strand). Cytogenetic location: 8p22.
Variant type: single nucleotide variant.
Coding change: c.4007T>G on transcript NM_182643.3 (MANE Select); coding-DNA position 4007, T replaced by G.
Protein change: p.Val1336Gly; replaces valine 1336 with glycine.
Molecular consequence: missense variant. On other transcripts: intron variant (2).
Genome position (GRCh38, 1-based): chr8:13,090,319, A>C on the plus strand (T>G on the coding strand, the complement: DLC1 is on the minus strand). VCF-style: chr8-13090319-A-C. GRCh37 (hg19) VCF-style: chr8-12947828-A-C.
Other names: c.2474T>G, p.Val825Gly (NM_001164271.2, NM_001348082.2, NM_001348083.1 and 6 more transcripts); c.2798T>G, p.Val933Gly (NM_001316668.2); c.4007T>G, p.Val1336Gly (NM_001348081.2, NM_001413124.1); c.2789T>G, p.Val930Gly (NM_001413130.1); c.2447T>G, p.Val816Gly (NM_001413131.1, NM_001413137.1); c.2933T>G, p.Val978Gly (NM_001413132.1); c.2696T>G, p.Val899Gly (NM_001413135.1, NM_001413139.1, NM_006094.5); c.2831T>G, p.Val944Gly (NM_001413140.1); and 2 more; short protein forms V1336G, V816G, V930G, V825G, V899G, V944G, V933G, V978G.
Identifiers: ClinVar variation 3678383 (VCV003678383.2).